The following is an entry in ClinVar:

ClinVar aggregate classification (germline): Uncertain significance (1 of 4 stars; one submission).

Allele frequency attached by ClinVar (database versions not stated): gnomAD exomes below 0.00001 and 0.00002; gnomAD 0.00001; ESP Exome Variant Server 0.00008.
gnomAD v4.1: 26 of 1,613,952 alleles (0.0016%); highest among the groups gnomAD compares: Non-Finnish European, 0.0021%; no homozygotes.

Submission:

Labcorp Genetics (formerly Invitae), Labcorp
Classification: Uncertain significance. Last evaluated: 2022-09-13. Review status: criteria provided, single submitter. Criteria: Invitae Variant Classification Sherloc (09022015). Collection method: clinical testing. Allele origin: germline.
Comment: This variant is present in population databases (rs377472241, gnomAD 0.002%). In summary, the available evidence is currently insufficient to determine the role of this variant in disease. Therefore, it has been classified as a Variant of Uncertain Significance. Variants that disrupt the consensus splice site are a relatively common cause of aberrant splicing (PMID: 17576681, 9536098). Algorithms developed to predict the effect of sequence changes on RNA splicing suggest that this variant may disrupt the consensus splice site. ClinVar contains an entry for this variant (Variation ID: 1680565). This variant has not been reported in the literature in individuals affected with ICK-related conditions. This sequence change falls in intron 6 of the ICK gene. It does not directly change the encoded amino acid sequence of the ICK protein. It affects a nucleotide within the consensus splice site.

Literature cited by the submitters: PubMed 17576681; PubMed 9536098.

NM_014920.5(CILK1):c.359-3T>A

Gene: CILK1 (ciliogenesis associated kinase 1; minus strand). Cytogenetic location: 6p12.1.
Variant type: single nucleotide variant.
Coding change: c.359-3T>A on transcript NM_014920.5 (MANE Select); 3 bases into the intron before coding-DNA position 359, T replaced by A.
Molecular consequence: intron variant.
Genome position (GRCh38, 1-based): chr6:53,019,362, A>T on the plus strand (T>A on the coding strand, the complement: CILK1 is on the minus strand). VCF-style: chr6-53019362-A-T. GRCh37 (hg19) VCF-style: chr6-52884160-A-T.
Other names: c.359-3T>A (NM_001375397.1, NM_001375400.1, NM_016513.5 and 4 more transcripts).
Identifiers: ClinVar variation 1680565 (VCV001680565.6), dbSNP rs377472241, ClinGen allele CA139041840.